The following is an entry in ClinVar:

ClinVar aggregate classification (germline): Uncertain significance (1 of 4 stars; one submission).

Allele frequency attached by ClinVar (database versions not stated): ExAC 0.00002.
gnomAD v4.1: 17 of 1,613,876 alleles (0.0011%); highest among the groups gnomAD compares: African/African-American, 0.0053%; no homozygotes.

Submission:

Labcorp Genetics (formerly Invitae), Labcorp
Classification: Uncertain significance. Last evaluated: 2022-07-05. Review status: criteria provided, single submitter. Criteria: Invitae Variant Classification Sherloc (09022015). Collection method: clinical testing. Allele origin: germline.
Comment: In summary, the available evidence is currently insufficient to determine the role of this variant in disease. Therefore, it has been classified as a Variant of Uncertain Significance. Algorithms developed to predict the effect of missense changes on protein structure and function output the following: SIFT: "Tolerated"; PolyPhen-2: "Benign"; Align-GVGD: "Class C0". The tryptophan amino acid residue is found in multiple mammalian species, which suggests that this missense change does not adversely affect protein function. ClinVar contains an entry for this variant (Variation ID: 1438246). This variant has not been reported in the literature in individuals affected with PNPT1-related conditions. This variant is present in population databases (rs767320275, gnomAD 0.008%). This sequence change replaces arginine, which is basic and polar, with tryptophan, which is neutral and slightly polar, at codon 12 of the PNPT1 protein (p.Arg12Trp).

NM_033109.5(PNPT1):c.34C>T (p.Arg12Trp)

Gene: PNPT1 (polyribonucleotide nucleotidyltransferase 1; minus strand). Cytogenetic location: 2p16.1.
Variant type: single nucleotide variant.
Coding change: c.34C>T on transcript NM_033109.5 (MANE Select); coding-DNA position 34, C replaced by T.
Protein change: p.Arg12Trp; replaces arginine 12 with tryptophan.
Molecular consequence: missense variant.
Genome position (GRCh38, 1-based): chr2:55,693,790, G>A on the plus strand (C>T on the coding strand, the complement: PNPT1 is on the minus strand). VCF-style: chr2-55693790-G-A. GRCh37 (hg19) VCF-style: chr2-55920925-G-A.
Other names: short protein forms R12W.
Identifiers: ClinVar variation 1438246 (VCV001438246.8), dbSNP rs767320275, ClinGen allele CA1668649.